The following is an entry in ClinVar:

ClinVar aggregate classification (germline): Likely pathogenic (1 of 4 stars; one submission).

Submission:

GeneDx
Classification: Likely pathogenic. Last evaluated: 2022-01-17. Review status: criteria provided, single submitter. Criteria: GeneDx Variant Classification Process June 2021. Collection method: clinical testing. Allele origin: germline. Affected: yes.
Comment: Not observed in large population cohorts (gnomAD); In silico analysis supports that this missense variant has a deleterious effect on protein structure/function; This variant is associated with the following publications: (PMID: 31164858)

NM_004606.5(TAF1):c.2711A>G (p.Tyr904Cys)

Gene: TAF1 (TATA-box binding protein associated factor 1; plus strand). Cytogenetic location: Xq13.1.
Variant type: single nucleotide variant.
Coding change: c.2711A>G on transcript NM_004606.5 (MANE Select); coding-DNA position 2711, A replaced by G.
Protein change: p.Tyr904Cys; replaces tyrosine 904 with cysteine.
Molecular consequence: missense variant. On other transcripts: non-coding transcript variant (9).
Genome position (GRCh38, 1-based): chrX:71,389,595, A>G. VCF-style: chrX-71389595-A-G. GRCh37 (hg19) VCF-style: chrX-70609445-A-G.
Other names: c.2711A>G, p.Tyr904Cys (NM_001286074.2); c.2648A>G, p.Tyr883Cys (NM_138923.4); short protein forms Y883C, Y904C.
Identifiers: ClinVar variation 1309672 (VCV001309672.3), dbSNP rs2148347582, ClinGen allele CA413522000.